The following is an entry in ClinVar:

ClinVar aggregate classification (germline): Conflicting classifications of pathogenicity. Review status: criteria provided, conflicting classifications (1 of 4 stars). 6 submissions from 6 submitters: Pathogenic (1); Likely pathogenic (1); Uncertain significance (2). 2 of the submissions do not count toward it. Last evaluated 2025-09-05.

Conditions:
Neurodevelopmental abnormality. Identifiers: MedGen C4022737, HP:0012759.
Syndromic X-linked intellectual disability 94 (MRXSW). Also called: X-linked intellectual disability due to GRIA3 anomalies; MENTAL RETARDATION, X-LINKED, SYNDROMIC 29. Identifiers: Orphanet 364028, MedGen C2678051, MONDO:0010402, OMIM 300699.

Submissions (6):

Labcorp Genetics (formerly Invitae), Labcorp
Classification: Uncertain significance. Last evaluated: 2025-09-05. Review status: criteria provided, single submitter. Criteria: Invitae Variant Classification Sherloc (09022015). Collection method: clinical testing. Allele origin: germline.
Comment: This sequence change replaces glutamic acid, which is acidic and polar, with lysine, which is basic and polar, at codon 700 of the GRIA3 protein (p.Glu700Lys). This variant is not present in population databases (gnomAD no frequency). This variant has not been reported in the literature in individuals affected with GRIA3-related conditions. ClinVar contains an entry for this variant (Variation ID: 984612). Invitae Evidence Modeling of protein sequence and biophysical properties (such as structural, functional, and spatial information, amino acid conservation, physicochemical variation, residue mobility, and thermodynamic stability) indicates that this missense variant is not expected to disrupt GRIA3 protein function with a negative predictive value of 80%. In summary, the available evidence is currently insufficient to determine the role of this variant in disease. Therefore, it has been classified as a Variant of Uncertain Significance.

Greenwood Genetic Center Diagnostic Laboratories, Greenwood Genetic Center
Classification: Uncertain significance. Last evaluated: 2021-11-17. Review status: criteria provided, single submitter. Criteria: ACMG Guidelines, 2015. Collection method: clinical testing. Allele origin: germline. Affected: yes.
Comment: PM2

Institute of Human Genetics, Clinical Exome/Genome Diagnostics Group, University Hospital Bonn
Classification: Likely pathogenic for Syndromic X-linked intellectual disability 94. Last evaluated: 2021-09-20. Review status: criteria provided, single submitter. Criteria: ACMG Guidelines, 2015. Collection method: clinical testing. Allele origin: germline.
Comment: PS2, PM2, PP2

GeneDx
Classification: Pathogenic. Last evaluated: 2019-10-01. Review status: criteria provided, single submitter. Criteria: GeneDx Variant Classification Process June 2021. Collection method: clinical testing. Allele origin: germline. Affected: yes.
Comment: Not observed in large population cohorts (Lek et al., 2016); In silico analysis, which includes protein predictors and evolutionary conservation, supports that this variant does not alter protein structure/function; Has not been previously published as pathogenic or benign to our knowledge

Department of Genetics, Rouen University Hospital, Normandy Center for Genomic and Personalized Medicine
Classification: Uncertain significance for Neurodevelopmental abnormality. Last evaluated: 2020-04-03. Review status: no assertion criteria provided. Collection method: clinical testing. Allele origin: maternal. Affected: yes. Not counted in ClinVar's aggregate classification.

Developmental and Behavioral Pediatrics, First Affiliated Hospital of Jilin University
Classification: Uncertain significance for Syndromic X-linked intellectual disability 94. Review status: no assertion criteria provided. Collection method: provider interpretation. Allele origin: maternal. Inheritance: X-linked inheritance. Affected: yes. Not counted in ClinVar's aggregate classification.

NM_007325.5(GRIA3):c.2098G>A (p.Glu700Lys)

Gene: GRIA3 (glutamate ionotropic receptor AMPA type subunit 3; plus strand). Cytogenetic location: Xq25.
Variant type: single nucleotide variant.
Coding change: c.2098G>A on transcript NM_007325.5 (MANE Select); coding-DNA position 2098, G replaced by A.
Protein change: p.Glu700Lys; replaces glutamic acid 700 with lysine.
Molecular consequence: missense variant.
Genome position (GRCh38, 1-based): chrX:123,464,886, G>A. VCF-style: chrX-123464886-G-A. GRCh37 (hg19) VCF-style: chrX-122598737-G-A.
Other names: c.2098G>A, p.Glu700Lys (NM_000828.5); short protein forms E700K.
Identifiers: ClinVar variation 984612 (VCV000984612.35), dbSNP rs2045826576, ClinGen allele CA414264575.